The following is an entry in ClinVar:

NM_001876.4(CPT1A):c.2120C>G (p.Ser707Cys)

Gene: CPT1A (carnitine palmitoyltransferase 1A; minus strand). Cytogenetic location: 11q13.3.
Variant type: single nucleotide variant.
Coding change: c.2120C>G on transcript NM_001876.4 (MANE Select); coding-DNA position 2120, C replaced by G.
Protein change: p.Ser707Cys; replaces serine 707 with cysteine.
Molecular consequence: missense variant.
Genome position (GRCh38, 1-based): chr11:68,760,247, G>C on the plus strand (C>G on the coding strand, the complement: CPT1A is on the minus strand). VCF-style: chr11-68760247-G-C. GRCh37 (hg19) VCF-style: chr11-68527715-G-C.
Other names: c.2120C>G, p.Ser707Cys (NM_001031847.3); short protein forms S707C.
Identifiers: ClinVar variation 3373157 (VCV003373157.2).

ClinVar aggregate classification (germline): Uncertain significance (1 of 4 stars; one submission).

gnomAD v4.1: 3 of 1,611,112 alleles (0.00019%); highest among the groups gnomAD compares: Non-Finnish European, 0.00017%; no homozygotes.

Submission:

GeneDx
Classification: Uncertain significance. Last evaluated: 2025-05-08. Review status: criteria provided, single submitter. Criteria: GeneDx Variant Classification Process June 2021. Collection method: clinical testing. Allele origin: germline. Affected: yes.
Comment: Not observed at significant frequency in large population cohorts (gnomAD); In silico analysis supports that this missense variant has a deleterious effect on protein structure/function; Has not been previously published as pathogenic or benign to our knowledge